The following is an entry in ClinVar:

ClinVar aggregate classification (germline): Uncertain significance (1 of 4 stars; one submission).

Allele frequency attached by ClinVar (database versions not stated): ESP Exome Variant Server 0.00015; TOPMed 0.00024; gnomAD 0.00025.
gnomAD v4.1: 808 of 1,611,578 alleles (0.05%); highest among the groups gnomAD compares: Non-Finnish European, 0.062%; no homozygotes.

Submission:

CeGaT Center for Human Genetics Tuebingen
Classification: Uncertain significance. Last evaluated: 2023-10-01. Review status: criteria provided, single submitter. Criteria: CeGaT Center For Human Genetics Tuebingen Variant Classification Criteria Version 2. Collection method: clinical testing. Allele origin: germline. Affected: yes. Observed: 1 variant allele.
Comment: COX4I1: PM2, BP4

NM_001861.6(COX4I1):c.240G>C (p.Glu80Asp)

Gene: COX4I1 (cytochrome c oxidase subunit 4I1; plus strand). Cytogenetic location: 16q24.1.
Variant type: single nucleotide variant.
Coding change: c.240G>C on transcript NM_001861.6 (MANE Select); coding-DNA position 240, G replaced by C.
Protein change: p.Glu80Asp; replaces glutamic acid 80 with aspartic acid.
Molecular consequence: missense variant.
Genome position (GRCh38, 1-based): chr16:85,805,103, G>C. VCF-style: chr16-85805103-G-C. GRCh37 (hg19) VCF-style: chr16-85838709-G-C.
Other names: c.240G>C, p.Glu80Asp (NM_001318788.2, NM_001318794.2, NM_001318786.3); c.126G>C, p.Glu42Asp (NM_001318797.3); c.14G>C, p.Ser5Thr (NM_001318802.2); short protein forms E42D, E80D, S5T.
Identifiers: ClinVar variation 2646945 (VCV002646945.24), dbSNP rs142400268, ClinGen allele CA8216570.